The following is an entry in ClinVar:

NC_000020.10:g.(?_25371129)_(25388551_?)dup

Genes: ABHD12 (abhydrolase domain containing 12, lysophospholipase; minus strand), GINS1 (GINS complex subunit 1; plus strand). Cytogenetic location: 20p11.21.
Variant type: Duplication.
Identifiers: ClinVar variation 3248345 (VCV003248345.1).

ClinVar aggregate classification (germline): Uncertain significance (1 of 4 stars; one submission).

Submission:

Labcorp Genetics (formerly Invitae), Labcorp
Classification: Uncertain significance. Last evaluated: 2023-12-09. Review status: criteria provided, single submitter. Criteria: Invitae Variant Classification Sherloc (09022015). Collection method: clinical testing. Allele origin: unknown.
Comment: This variant results in a copy number gain of the genomic region encompassing exon(s) 1 of the GINS1 gene. This region includes the initiator codon of the gene. This copy number gain extends beyond the assayed region for this gene and therefore may encompass additional genes. As the precise location of this event is unknown, it may be in tandem or it may be located elsewhere in the genome. This variant has not been reported in the literature in individuals affected with GINS1-related conditions. In summary, the available evidence is currently insufficient to determine the role of this variant in disease. Therefore, it has been classified as a Variant of Uncertain Significance.